The following is an entry in ClinVar:

NM_003619.4(PRSS12):c.254C>A (p.Thr85Lys)

Gene: PRSS12 (serine protease 12; minus strand). Cytogenetic location: 4q26.
Variant type: single nucleotide variant.
Coding change: c.254C>A on transcript NM_003619.4 (MANE Select); coding-DNA position 254, C replaced by A.
Protein change: p.Thr85Lys; replaces threonine 85 with lysine.
Molecular consequence: missense variant.
Genome position (GRCh38, 1-based): chr4:118,352,467, G>T on the plus strand (C>A on the coding strand, the complement: PRSS12 is on the minus strand). VCF-style: chr4-118352467-G-T. GRCh37 (hg19) VCF-style: chr4-119273622-G-T.
Other names: short protein forms T85K.
Identifiers: ClinVar variation 1031344 (VCV001031344.1), dbSNP rs1724538705, ClinGen allele CA358198296.

ClinVar aggregate classification (germline): Uncertain significance (1 of 4 stars; one submission).

Conditions:
Intellectual developmental disorder, autosomal recessive 1. Also called: MENTAL RETARDATION, AUTOSOMAL RECESSIVE 1; Intellectual disability, autosomal recessive 1. Identifiers: Orphanet 88616, MedGen C1855304, MONDO:0009580, OMIM 249500.

gnomAD v4.1: 1 of 1,396,852 alleles (0.000072%); highest among the groups gnomAD compares: Non-Finnish European, 0.000092%; no homozygotes.

Submission:

Baylor Genetics
Classification: Uncertain significance for Intellectual developmental disorder, autosomal recessive 1. Last evaluated: 2018-11-28. Review status: criteria provided, single submitter. Criteria: ACMG Guidelines, 2015. Collection method: clinical testing. Allele origin: paternal. Affected: yes.
Comment: This variant was determined to be of uncertain significance according to ACMG Guidelines, 2015 [PMID:25741868].